The following is an entry in ClinVar:

NM_001377.3(DYNC2H1):c.2089del (p.Thr697fs)

Gene: DYNC2H1 (dynein cytoplasmic 2 heavy chain 1; plus strand). Cytogenetic location: 11q22.3.
Variant type: Deletion.
Coding change: c.2089del on transcript NM_001377.3 (MANE Select); coding-DNA position 2089, one base deleted (A; older notation c.2089delA).
Protein change: p.Thr697fs; shifts the reading frame from threonine 697.
Molecular consequence: frameshift variant.
Genome position (GRCh38, 1-based): chr11:103,133,690, A deleted. VCF-style (leftmost placement, unchanged base first): chr11-103133689-CA-C. GRCh37 (hg19) VCF-style: chr11-103004418-CA-C.
Other names: c.2089del, p.Thr697fs (NM_001080463.2); short protein forms T697fs.
Identifiers: ClinVar variation 2838349 (VCV002838349.4), dbSNP rs2496903775, ClinGen allele CA2739270788.

ClinVar aggregate classification (germline): Pathogenic. Review status: criteria provided, multiple submitters, no conflicts (2 of 4 stars). 2 submissions from 2 submitters: Pathogenic (2). Last evaluated 2026-01-05.

Conditions:
Jeune thoracic dystrophy. Also called: Jeune syndrome; Infantile thoracic dystrophy; Thoracic pelvic phalangeal dystrophy; Jeune's syndrome; Chondroectodermal dysplasia-like syndrome; Short-rib thoracic dysplasia. Identifiers: Orphanet 474, MedGen C0265275, MONDO:0018770.
Asphyxiating thoracic dystrophy 3. Also called: SHORT-RIB THORACIC DYSPLASIA 3 WITH OR WITHOUT POLYDACTYLY; POLYDACTYLY WITH NEONATAL CHONDRODYSTROPHY, TYPE I; SHORT-RIB THORACIC DYSPLASIA 3/6 WITH POLYDACTYLY, DIGENIC; Short rib polydactyly syndrome 2B; Saldino-Noonan Syndrome. Identifiers: Orphanet 474, Orphanet 93269, Orphanet 93270, Orphanet 93271, MedGen C0036069, MONDO:0013127, OMIM 613091.

Submissions (2):

Myriad Genetics, Inc.
Classification: Pathogenic for Asphyxiating thoracic dystrophy 3. Last evaluated: 2026-01-05. Review status: criteria provided, single submitter. Criteria: Myriad Autosomal Dominant, Autosomal Recessive and X-Linked Classification Criteria (2023). Collection method: clinical testing. Allele origin: unknown.
Comment: NM_001377.2(DYNC2H1):c.2089delA(T697Lfs*11) is expected to be pathogenic in the context of DYNC2H1-related disorders. This variant is predicted to lead to an abnormal or absent protein product due to the creation of a premature termination codon in DYNC2H1, a gene where loss-of-function variants are known to be pathogenic. Please note: this variant was assessed in the context of healthy population screening.

Labcorp Genetics (formerly Invitae), Labcorp
Classification: Pathogenic for Jeune thoracic dystrophy. Last evaluated: 2023-08-10. Review status: criteria provided, single submitter. Criteria: Invitae Variant Classification Sherloc (09022015). Collection method: clinical testing. Allele origin: germline.
Comment: This variant has not been reported in the literature in individuals affected with DYNC2H1-related conditions. For these reasons, this variant has been classified as Pathogenic. This variant is not present in population databases (gnomAD no frequency). This sequence change creates a premature translational stop signal (p.Thr697Leufs*11) in the DYNC2H1 gene. It is expected to result in an absent or disrupted protein product. Loss-of-function variants in DYNC2H1 are known to be pathogenic (PMID: 23339108, 32753734, 33755199).

Literature cited by the submitters: PubMed 23339108 (cited by Labcorp Genetics (formerly Invitae), Labcorp); PubMed 32753734 (cited by Labcorp Genetics (formerly Invitae), Labcorp); PubMed 33755199 (cited by Labcorp Genetics (formerly Invitae), Labcorp).